The following is an entry in ClinVar:

NM_016169.4(SUFU):c.728C>A (p.Thr243Asn)

Gene: SUFU (SUFU negative regulator of hedgehog signaling; plus strand). Cytogenetic location: 10q24.32.
Variant type: single nucleotide variant.
Coding change: c.728C>A on transcript NM_016169.4 (MANE Select); coding-DNA position 728, C replaced by A.
Protein change: p.Thr243Asn; replaces threonine 243 with asparagine.
Molecular consequence: missense variant.
Genome position (GRCh38, 1-based): chr10:102,594,037, C>A. VCF-style: chr10-102594037-C-A. GRCh37 (hg19) VCF-style: chr10-104353794-C-A.
Other names: c.728C>A, p.Thr243Asn (NM_001178133.2); short protein forms T243N.
Identifiers: ClinVar variation 569564 (VCV000569564.19), dbSNP rs544734275, ClinGen allele CA5667761.
Genomic context (GRCh38, chr10:102,594,037, plus strand): 5'-CTTTCCTTGTCCACAGTGCTGGCGGCCCCTGGCTGATAACTGACATGCGGAGGGGAGAGA[C>A]CATATTTGAGATCGATCCACACCTGCAAGTATGTCTTGAGTGAGGAAAACCTTTCTAGCA-3'
Protein context (NP_057253.2, residues 233-253): WLITDMRRGE[Thr243Asn]IFEIDPHLQE

ClinVar aggregate classification (germline): Conflicting classifications of pathogenicity. Review status: criteria provided, conflicting classifications (1 of 4 stars). 5 submissions from 5 submitters: Uncertain significance (4); Likely benign (1). Last evaluated 2026-01-11.

Conditions:
Gorlin syndrome. Also called: Nevoid Basal Cell Carcinoma Syndrome; Basal cell nevus syndrome. Identifiers: Orphanet 377, MedGen C0004779, MONDO:0007187.
Medulloblastoma (MDB). Also called: MEDULLOBLASTOMA PREDISPOSITION SYNDROME; Medulloblastoma, somatic. Identifiers: Orphanet 616, MedGen C0025149, MeSH D008527, MONDO:0007959, OMIM 155255, HP:0002885.
Hereditary cancer-predisposing syndrome. Also called: Hereditary neoplastic syndrome; Neoplastic Syndromes, Hereditary; Hereditary Cancer Syndrome; Tumor predisposition. Identifiers: Orphanet 140162, MedGen C0027672, MeSH D009386, MONDO:0015356.
Familial meningioma. Also called: Meningioma, familial, susceptibility to. Identifiers: Orphanet 263662, MedGen C3551915, MONDO:0011789, OMIM 607174.

Allele frequency attached by ClinVar (database versions not stated): TOPMed below 0.00001; gnomAD 0.00001; gnomAD exomes 0.00001 and 0.00003; ExAC 0.00002; 1000 Genomes Project 30x 0.00016; 1000 Genomes Project 0.00020.
gnomAD v4.1: 53 of 1,613,606 alleles (0.0033%); highest among the groups gnomAD compares: South Asian, 0.015%; no homozygotes.

Submissions (5):

Labcorp Genetics (formerly Invitae), Labcorp
Classification: Uncertain significance for Gorlin syndrome; Medulloblastoma. Last evaluated: 2026-01-11. Review status: criteria provided, single submitter. Criteria: Invitae Variant Classification Sherloc (09022015). Collection method: clinical testing. Allele origin: germline.
Comment: This sequence change replaces threonine, which is neutral and polar, with asparagine, which is neutral and polar, at codon 243 of the SUFU protein (p.Thr243Asn). This variant is present in population databases (rs544734275, gnomAD 0.006%). This variant has not been reported in the literature in individuals affected with SUFU-related conditions. ClinVar contains an entry for this variant (Variation ID: 569564). Invitae Evidence Modeling of protein sequence and biophysical properties (such as structural, functional, and spatial information, amino acid conservation, physicochemical variation, residue mobility, and thermodynamic stability) indicates that this missense variant is not expected to disrupt SUFU protein function with a negative predictive value of 80%. In summary, the available evidence is currently insufficient to determine the role of this variant in disease. Therefore, it has been classified as a Variant of Uncertain Significance.

Quest Diagnostics Nichols Institute San Juan Capistrano
Classification: Uncertain significance. Last evaluated: 2025-03-31. Review status: criteria provided, single submitter. Criteria: Quest Diagnostics criteria. Collection method: clinical testing. Allele origin: unknown.
Comment: The SUFU c.728C>A (p.Thr243Asn) variant has not been reported in individuals with SUFU-related conditions in the published literature. The frequency of this variant in the general population (Genome Aggregation Database) is higher than would generally be expected for pathogenic variants in this gene. Analysis of this variant using bioinformatics tools for the prediction of the effect of amino acid changes on protein structure and function yielded predictions that this variant is benign. Based on the available information, we are unable to determine the clinical significance of this variant.

GeneDx
Classification: Uncertain significance. Last evaluated: 2023-07-07. Review status: criteria provided, single submitter. Criteria: GeneDx Variant Classification Process June 2021. Collection method: clinical testing. Allele origin: germline. Affected: yes.
Comment: Not observed at significant frequency in large population cohorts (gnomAD); In silico analysis supports that this missense variant does not alter protein structure/function; Has not been previously published as pathogenic or benign to our knowledge; This variant is associated with the following publications: (PMID: 24311597)

Baylor Genetics
Classification: Uncertain significance for Familial meningioma. Last evaluated: 2023-05-22. Review status: criteria provided, single submitter. Criteria: ACMG Guidelines, 2015. Collection method: clinical testing. Allele origin: unknown.

Ambry Genetics
Classification: Likely benign for Hereditary cancer-predisposing syndrome. Last evaluated: 2022-01-27. Review status: criteria provided, single submitter. Criteria: Ambry Variant Classification Scheme 2023. Collection method: clinical testing. Allele origin: germline.